The following is an entry in ClinVar:

NM_001378454.1(ALMS1):c.9132T>C (p.Leu3044=)

Gene: ALMS1 (ALMS1 centrosome and basal body associated protein; plus strand). Cytogenetic location: 2p13.1.
Variant type: single nucleotide variant.
Coding change: c.9132T>C on transcript NM_001378454.1 (MANE Select); coding-DNA position 9132, T replaced by C.
Protein change: p.Leu3044=; no amino-acid change (leucine 3044 retained).
Molecular consequence: synonymous variant.
Genome position (GRCh38, 1-based): chr2:73,491,091, T>C. VCF-style: chr2-73491091-T-C. GRCh37 (hg19) VCF-style: chr2-73718218-T-C.
Other names: c.9135T>C, p.Leu3045= (NM_015120.4).
Identifiers: ClinVar variation 3357049 (VCV003357049.1).

ClinVar aggregate classification (germline): Likely benign (0 of 4 stars; one submission).

Conditions:
ALMS1-related disorder. Also called: ALMS1-related condition.

Submission:

PreventionGenetics, part of Exact Sciences
Classification: Likely benign for ALMS1-related condition. Last evaluated: 2021-07-14. Review status: no assertion criteria provided. Collection method: clinical testing. Allele origin: germline.
Comment: This variant is classified as likely benign based on ACMG/AMP sequence variant interpretation guidelines (Richards et al. 2015 PMID: 25741868, with internal and published modifications).